The following is an entry in ClinVar:

NM_000553.6(WRN):c.3453G>A (p.Glu1151=)

Gene: WRN (WRN RecQ like helicase; plus strand). Cytogenetic location: 8p12.
Variant type: single nucleotide variant.
Coding change: c.3453G>A on transcript NM_000553.6 (MANE Select); coding-DNA position 3453, G replaced by A.
Protein change: p.Glu1151=; no amino-acid change (glutamic acid 1151 retained).
Molecular consequence: synonymous variant.
Genome position (GRCh38, 1-based): chr8:31,147,122, G>A. VCF-style: chr8-31147122-G-A. GRCh37 (hg19) VCF-style: chr8-31004638-G-A.
Identifiers: ClinVar variation 238156 (VCV000238156.49), dbSNP rs144116311, ClinGen allele CA4705062.

ClinVar aggregate classification (germline): Conflicting classifications of pathogenicity. Review status: criteria provided, conflicting classifications (1 of 4 stars). 8 submissions from 8 submitters: Uncertain significance (2); Benign (1); Likely benign (3). 2 of the submissions do not count toward it. Last evaluated 2026-08-01.

Conditions:
Werner syndrome (WRN). Identifiers: Orphanet 902, MedGen C0043119, MONDO:0010196, OMIM 277700.

Allele frequency attached by ClinVar (database versions not stated): gnomAD 0.00054; TOPMed 0.00060; ESP Exome Variant Server 0.00062; 1000 Genomes Project 30x 0.00016; 1000 Genomes Project 0.00020; ExAC 0.00050; gnomAD exomes 0.00053.
gnomAD v4.1: 924 of 1,613,834 alleles (0.057%); highest among the groups gnomAD compares: Middle Eastern, 0.31%; no homozygotes.

Submissions (8):

CeGaT Center for Human Genetics Tuebingen
Classification: Likely benign. Last evaluated: 2026-08-01. Review status: criteria provided, single submitter. Criteria: CeGaT Center For Human Genetics Tuebingen Variant Classification Criteria Version 2. Collection method: clinical testing. Allele origin: germline. Affected: yes. Observed: 13 variant alleles.
Comment: WRN: BP4, BP7

Labcorp Genetics (formerly Invitae), Labcorp
Classification: Benign for Werner syndrome. Last evaluated: 2026-01-25. Review status: criteria provided, single submitter. Criteria: Invitae Variant Classification Sherloc (09022015). Collection method: clinical testing. Allele origin: germline.

Blueprint Genetics
Classification: Likely benign. Last evaluated: 2024-11-07. Review status: criteria provided, single submitter. Criteria: ACMG Guidelines, 2015. Collection method: clinical testing. Allele origin: germline.

Genetic Services Laboratory, University of Chicago
Classification: Likely benign. Last evaluated: 2021-01-08. Review status: criteria provided, single submitter. Criteria: ACMG Guidelines, 2015. Collection method: clinical testing. Allele origin: germline. Affected: no.

Illumina Laboratory Services, Illumina
Classification: Uncertain significance for Werner syndrome. Last evaluated: 2018-01-13. Review status: criteria provided, single submitter. Criteria: ICSL Variant Classification Criteria 13 December 2019. Collection method: clinical testing. Allele origin: germline.

Eurofins Ntd Llc (ga)
Classification: Uncertain significance. Last evaluated: 2016-03-24. Review status: criteria provided, single submitter. Criteria: EGL Classification Definitions 2015. Collection method: clinical testing. Allele origin: germline. Observed: 1 variant allele, 1 heterozygote.

Clinical Genetics DNA and cytogenetics Diagnostics Lab, Erasmus MC, Erasmus Medical Center
Classification: Likely benign. Review status: no assertion criteria provided. Collection method: clinical testing. Allele origin: germline. Affected: yes. Study: VKGL Data-share Consensus. Not counted in ClinVar's aggregate classification.

Genome Diagnostics Laboratory, Amsterdam University Medical Center
Classification: Likely benign. Review status: no assertion criteria provided. Collection method: clinical testing. Allele origin: germline. Affected: yes. Study: VKGL Data-share Consensus. Not counted in ClinVar's aggregate classification.